The following is an entry in ClinVar:

ClinVar aggregate classification (germline): Uncertain significance (1 of 4 stars; one submission).

Submission:

GeneDx
Classification: Uncertain significance. Last evaluated: 2024-02-01. Review status: criteria provided, single submitter. Criteria: GeneDx Variant Classification Process June 2021. Collection method: clinical testing. Allele origin: germline. Affected: yes.
Comment: Not observed at significant frequency in large population cohorts (gnomAD); In silico analysis supports that this missense variant has a deleterious effect on protein structure/function; Has not been previously published as pathogenic or benign to our knowledge

NM_001042750.2(STAG2):c.457G>A (p.Asp153Asn)

Gene: STAG2 (STAG2 cohesin complex component; plus strand). Cytogenetic location: Xq25.
Variant type: single nucleotide variant.
Coding change: c.457G>A on transcript NM_001042750.2 (MANE Select); coding-DNA position 457, G replaced by A.
Protein change: p.Asp153Asn; replaces aspartic acid 153 with asparagine.
Molecular consequence: missense variant.
Genome position (GRCh38, 1-based): chrX:124,042,640, G>A. VCF-style: chrX-124042640-G-A. GRCh37 (hg19) VCF-style: chrX-123176490-G-A.
Other names: c.457G>A, p.Asp153Asn (NM_001042749.2, NM_001042751.2, NM_001282418.2 and 13 more transcripts); short protein forms D153N.
Identifiers: ClinVar variation 3368688 (VCV003368688.1).
Genomic context (GRCh38, chrX:124,042,640, plus strand): 5'-GCAGAAATGTTTAGACATATGCAGAACTCTGAGATAATTCGAAAAATGACTGAAGAATTC[G>A]ATGAGGTAACTTACTACCTTAAGTGTTTTGATAACTTATGCATGTTTATCTTGACTTATT-3'
Protein context (NP_001036215.1, residues 143-163): EIIRKMTEEF[Asp153Asn]EDSGDYPLTM